The following is an entry in ClinVar:

ClinVar aggregate classification (germline): Uncertain significance. Review status: criteria provided, multiple submitters, no conflicts (2 of 4 stars). 2 submissions from 2 submitters: Uncertain significance (2). Last evaluated 2024-05-07.

Conditions:
Tumor predisposition syndrome 3 (TPDS3). Also called: Glioma susceptibility 9; LONG TELOMERE SYNDROME, POT1-RELATED; POT1 Tumor Predisposition; Melanoma, cutaneous malignant, susceptibility to, 10. Identifiers: Orphanet 618, MedGen C4014476, MONDO:0014368, OMIM 615848.
Hereditary cancer-predisposing syndrome. Also called: Tumor predisposition; Hereditary Cancer Syndrome; Hereditary neoplastic syndrome; Neoplastic Syndromes, Hereditary. Identifiers: Orphanet 140162, MedGen C0027672, MeSH D009386, MONDO:0015356.

Allele frequency attached by ClinVar (database versions not stated): gnomAD exomes below 0.00001.
gnomAD v4.1: 1 of 1,610,384 alleles (0.000062%); highest among the groups gnomAD compares: Non-Finnish European, 0.000085%; no homozygotes.

Submissions (2):

Labcorp Genetics (formerly Invitae), Labcorp
Classification: Uncertain significance for Tumor predisposition syndrome 3. Last evaluated: 2024-05-07. Review status: criteria provided, single submitter. Criteria: Invitae Variant Classification Sherloc (09022015). Collection method: clinical testing. Allele origin: germline.
Comment: This sequence change replaces isoleucine, which is neutral and non-polar, with threonine, which is neutral and polar, at codon 586 of the POT1 protein (p.Ile586Thr). This variant is not present in population databases (gnomAD no frequency). This variant has not been reported in the literature in individuals affected with POT1-related conditions. ClinVar contains an entry for this variant (Variation ID: 846018). Advanced modeling of protein sequence and biophysical properties (such as structural, functional, and spatial information, amino acid conservation, physicochemical variation, residue mobility, and thermodynamic stability) performed at Invitae indicates that this missense variant is not expected to disrupt POT1 protein function with a negative predictive value of 80%. In summary, the available evidence is currently insufficient to determine the role of this variant in disease. Therefore, it has been classified as a Variant of Uncertain Significance.

Ambry Genetics
Classification: Uncertain significance for Hereditary cancer-predisposing syndrome. Last evaluated: 2024-04-19. Review status: criteria provided, single submitter. Criteria: Ambry Variant Classification Scheme 2023. Collection method: clinical testing. Allele origin: germline.
Comment: The p.I586T variant (also known as c.1757T>C), located in coding exon 14 of the POT1 gene, results from a T to C substitution at nucleotide position 1757. The isoleucine at codon 586 is replaced by threonine, an amino acid with similar properties. This amino acid position is conserved. In addition, the in silico prediction for this alteration is inconclusive. Based on the available evidence, the clinical significance of this variant remains unclear.

NM_015450.3(POT1):c.1757T>C (p.Ile586Thr)

Gene: POT1 (protection of telomeres 1; minus strand). Cytogenetic location: 7q31.33.
Variant type: single nucleotide variant.
Coding change: c.1757T>C on transcript NM_015450.3 (MANE Select); coding-DNA position 1757, T replaced by C.
Protein change: p.Ile586Thr; replaces isoleucine 586 with threonine.
Molecular consequence: missense variant. On other transcripts: non-coding transcript variant (3).
Genome position (GRCh38, 1-based): chr7:124,825,287, A>G on the plus strand (T>C on the coding strand, the complement: POT1 is on the minus strand). VCF-style: chr7-124825287-A-G. GRCh37 (hg19) VCF-style: chr7-124465341-A-G.
Other names: c.1364T>C, p.Ile455Thr (NM_001042594.2); short protein forms I455T, I586T.
Identifiers: ClinVar variation 846018 (VCV000846018.11), dbSNP rs1794602477, ClinGen allele CA369062240.